The following is an entry in ClinVar:

ClinVar aggregate classification (germline): Uncertain significance (1 of 4 stars; one submission).

Conditions:
Oculofaciocardiodental syndrome (MCOPS2). Identifiers: Orphanet 2712, MedGen C1846265, MONDO:0010261, OMIM 300166.

Allele frequency attached by ClinVar (database versions not stated): gnomAD exomes below 0.00001; gnomAD 0.00001; TOPMed 0.00001.
gnomAD v4.1: 4 of 1,211,306 alleles (0.00033%); highest among the groups gnomAD compares: Non-Finnish European, 0.00045%; no homozygotes.

Submission:

Labcorp Genetics (formerly Invitae), Labcorp
Classification: Uncertain significance for Oculofaciocardiodental syndrome. Last evaluated: 2022-12-23. Review status: criteria provided, single submitter. Criteria: Invitae Variant Classification Sherloc (09022015). Collection method: clinical testing. Allele origin: germline.
Comment: In summary, the available evidence is currently insufficient to determine the role of this variant in disease. Therefore, it has been classified as a Variant of Uncertain Significance. Algorithms developed to predict the effect of missense changes on protein structure and function (SIFT, PolyPhen-2, Align-GVGD) all suggest that this variant is likely to be disruptive. This variant has not been reported in the literature in individuals affected with BCOR-related conditions. This variant is not present in population databases (gnomAD no frequency). This sequence change replaces proline, which is neutral and non-polar, with glutamine, which is neutral and polar, at codon 634 of the BCOR protein (p.Pro634Gln).

NM_001123385.2(BCOR):c.1901C>A (p.Pro634Gln)

Gene: BCOR (BCL6 corepressor; minus strand). Cytogenetic location: Xp11.4.
Variant type: single nucleotide variant.
Coding change: c.1901C>A on transcript NM_001123385.2 (MANE Select); coding-DNA position 1901, C replaced by A.
Protein change: p.Pro634Gln; replaces proline 634 with glutamine.
Molecular consequence: missense variant.
Genome position (GRCh38, 1-based): chrX:40,073,445, G>T on the plus strand (C>A on the coding strand, the complement: BCOR is on the minus strand). VCF-style: chrX-40073445-G-T. GRCh37 (hg19) VCF-style: chrX-39932698-G-T.
Other names: c.1901C>A, p.Pro634Gln (NM_001123383.2, NM_001123384.2, NM_017745.6); short protein forms P634Q.
Identifiers: ClinVar variation 2903345 (VCV002903345.3), dbSNP rs1470924722, ClinGen allele CA412744134.